The following is an entry in ClinVar:

ClinVar aggregate classification (germline): Likely benign. Review status: criteria provided, multiple submitters, no conflicts (2 of 4 stars). 2 submissions from 2 submitters: Likely benign (2). Last evaluated 2018-01-13.

Conditions:
Generalized pustular psoriasis. Identifiers: Orphanet 247353, MedGen C0343055, MONDO:0100491.

Allele frequency attached by ClinVar (database versions not stated): gnomAD 0.01780 and 0.01844; 1000 Genomes Project 30x 0.01874; 1000 Genomes Project 0.01877; TOPMed 0.01931.

Submissions (2):

Illumina Laboratory Services, Illumina
Classification: Likely benign for Acrodermatitis continua suppurativa of Hallopeau. Last evaluated: 2018-01-13. Review status: criteria provided, single submitter. Criteria: ICSL Variant Classification Criteria 13 December 2019. Collection method: clinical testing. Allele origin: germline.
Comment: This variant was observed in the ICSL laboratory as part of a predisposition screen in an ostensibly healthy population. It had not been previously curated by ICSL or reported in the Human Gene Mutation Database (HGMD: prior to June 1st, 2018), and was therefore a candidate for classification through an automated scoring system. Utilizing variant allele frequency, disease prevalence and penetrance estimates, and inheritance mode, an automated score was calculated to assess if this variant is too frequent to cause the disease. Based on the score and internal cut-off values, a variant classified as likely benign is not then subjected to further curation. The score for this variant resulted in a classification of likely benign for this disease.

Breakthrough Genomics
Classification: Likely benign. Review status: criteria provided, single submitter. Criteria: ACMG Guidelines, 2015. Collection method: not provided. Allele origin: germline. Inheritance: Autosomal recessive inheritance. Affected: yes.

NM_012275.3(IL36RN):c.*1902T>C

Gene: IL36RN (interleukin 36 receptor antagonist; plus strand). Cytogenetic location: 2q14.1.
Variant type: single nucleotide variant.
Coding change: c.*1902T>C on transcript NM_012275.3 (MANE Select); 1902 bases downstream of the stop codon, T replaced by C.
Molecular consequence: 3 prime UTR variant.
Genome position (GRCh38, 1-based): chr2:113,064,579, T>C. VCF-style: chr2-113064579-T-C. GRCh37 (hg19) VCF-style: chr2-113822156-T-C.
Other names: c.*1902T>C (NM_173170.1).
Identifiers: ClinVar variation 330812 (VCV000330812.6), dbSNP rs28939968, ClinGen allele CA10611830.
Genomic context (GRCh38, chr2:113,064,579, plus strand): 5'-CAATCTATCTTGGCTCACTCGCTCTGGGGGAAGCTAGCTGCCATGCTATGAGCAGGCCTA[T>C]AAAGAGACTTACGTGGTAAAAAATGAAGTCTCCTGCCCACAGCCACATTAGTGAACCTAG-3'